The following is an entry in ClinVar:

ClinVar aggregate classification (germline): Uncertain significance (1 of 4 stars; one submission).

Conditions:
COL4A1-related disorder. Also called: COL4A1-related condition; COL4A1-related disorders. Identifiers: MedGen CN376119, MONDO:0800461.

Submission:

PreventionGenetics, part of Exact Sciences
Classification: Uncertain significance for COL4A1-related condition. Last evaluated: 2025-05-26. Review status: criteria provided, single submitter. Criteria: ACMG Guidelines, 2015. Collection method: clinical testing. Allele origin: germline.
Comment: The COL4A1 c.3997G>T variant is predicted to result in the amino acid substitution p.Asp1333Tyr. To our knowledge, this variant has not been reported in the literature or in a large population database (gnomAD), indicating this variant is rare. Of note, a different variant impacting the same amino acid (p.Asp1333Asn) was reported in an individual with congenital anomalies of kidney and urinary tract (Kitzler et al. 2019. PubMed ID: 31230195). At this time, the clinical significance of the c.3997G>T (p.Asp1333Tyr) variant is uncertain due to the absence of conclusive functional and genetic evidence.

NM_001845.6(COL4A1):c.3997G>T (p.Asp1333Tyr)

Gene: COL4A1 (collagen type IV alpha 1 chain; minus strand). Cytogenetic location: 13q34.
Variant type: single nucleotide variant.
Coding change: c.3997G>T on transcript NM_001845.6 (MANE Select); coding-DNA position 3997, G replaced by T.
Protein change: p.Asp1333Tyr; replaces aspartic acid 1333 with tyrosine.
Molecular consequence: missense variant.
Genome position (GRCh38, 1-based): chr13:110,166,256, C>A on the plus strand (G>T on the coding strand, the complement: COL4A1 is on the minus strand). VCF-style: chr13-110166256-C-A. GRCh37 (hg19) VCF-style: chr13-110818603-C-A.
Other names: short protein forms D1333Y.
Identifiers: ClinVar variation 5000195 (VCV005000195.1).
Genomic context (GRCh38, chr13:110,166,256, plus strand): 5'-CCAGTAAGGTGTCCACAGATCAACAAACTCTCCTACCTTTAGCTCCCGGGACGCCTTGAT[C>A]GCCTTGATCACCTTTAATTCCCTGGAGGCCAGGAAGACCTTTTGGACCTAAAAGCAGAGG-3'
Protein context (NP_001836.3, residues 1323-1343): GLQGIKGDQG[Asp1333Tyr]QGVPGAKGLP